The following is an entry in ClinVar:

ClinVar aggregate classification (germline): Uncertain significance. Review status: criteria provided, multiple submitters, no conflicts (2 of 4 stars). 3 submissions from 3 submitters: Uncertain significance (3). Last evaluated 2024-10-08.

Conditions:
Cardiovascular phenotype. Identifiers: MedGen CN230736.
Holt-Oram syndrome (HOS). Also called: TBX5-Related Holt-Oram Syndrome; Ventriculo-radial syndrome; Cardiac-limb syndrome; Heart-hand syndrome, type 1. Identifiers: Orphanet 392, MedGen C0265264, MONDO:0007732, OMIM 142900.
Aortic valve disease 2 (AOVD2). Identifiers: MedGen C3542024, MONDO:0013902, OMIM 614823.

Allele frequency attached by ClinVar (database versions not stated): gnomAD 0.00003 and 0.00004; TOPMed 0.00006; ESP Exome Variant Server 0.00008.
gnomAD v4.1: 26 of 1,613,944 alleles (0.0016%); highest among the groups gnomAD compares: Middle Eastern, 0.016%; no homozygotes.

Submissions (3):

Ambry Genetics
Classification: Uncertain significance for Cardiovascular phenotype. Last evaluated: 2024-10-08. Review status: criteria provided, single submitter. Criteria: Ambry Variant Classification Scheme 2023. Collection method: clinical testing. Allele origin: germline.
Comment: The p.R355H variant (also known as c.1064G>A), located in coding exon 8 of the TBX5 gene, results from a G to A substitution at nucleotide position 1064. The arginine at codon 355 is replaced by histidine, an amino acid with highly similar properties. This amino acid position is highly conserved in available vertebrate species. In addition, the in silico prediction for this alteration is inconclusive. Since supporting evidence is limited at this time, the clinical significance of this alteration remains unclear.

Labcorp Genetics (formerly Invitae), Labcorp
Classification: Uncertain significance for Aortic valve disease 2. Last evaluated: 2024-10-03. Review status: criteria provided, single submitter. Criteria: Invitae Variant Classification Sherloc (09022015). Collection method: clinical testing. Allele origin: germline.
Comment: This sequence change replaces arginine, which is basic and polar, with histidine, which is basic and polar, at codon 355 of the TBX5 protein (p.Arg355His). This variant is present in population databases (rs145784562, gnomAD 0.008%). This variant has not been reported in the literature in individuals affected with TBX5-related conditions. ClinVar contains an entry for this variant (Variation ID: 477654). Invitae Evidence Modeling of protein sequence and biophysical properties (such as structural, functional, and spatial information, amino acid conservation, physicochemical variation, residue mobility, and thermodynamic stability) indicates that this missense variant is not expected to disrupt TBX5 protein function with a negative predictive value of 80%. In summary, the available evidence is currently insufficient to determine the role of this variant in disease. Therefore, it has been classified as a Variant of Uncertain Significance.

Fulgent Genetics
Classification: Uncertain significance for Holt-Oram syndrome. Last evaluated: 2021-10-10. Review status: criteria provided, single submitter. Criteria: ACMG Guidelines, 2015. Collection method: clinical testing. Allele origin: unknown.

NM_181486.4(TBX5):c.1064G>A (p.Arg355His)

Gene: TBX5 (T-box transcription factor 5; minus strand). Cytogenetic location: 12q24.21.
Variant type: single nucleotide variant.
Coding change: c.1064G>A on transcript NM_181486.4 (MANE Select); coding-DNA position 1064, G replaced by A.
Protein change: p.Arg355His; replaces arginine 355 with histidine.
Molecular consequence: missense variant.
Genome position (GRCh38, 1-based): chr12:114,356,025, C>T on the plus strand (G>A on the coding strand, the complement: TBX5 is on the minus strand). VCF-style: chr12-114356025-C-T. GRCh37 (hg19) VCF-style: chr12-114793830-C-T.
Other names: c.1064G>A, p.Arg355His (NM_000192.3); c.914G>A, p.Arg305His (NM_080717.4); short protein forms R355H, R305H.
Identifiers: ClinVar variation 477654 (VCV000477654.7), dbSNP rs145784562, ClinGen allele CA6809412.